The following is an entry in ClinVar:

NM_014874.4(MFN2):c.1664G>C (p.Arg555Thr)

Genes: MFN2 (mitofusin 2; plus strand), LOC129929426 (ATAC-STARR-seq lymphoblastoid active region 185; plus strand). Cytogenetic location: 1p36.22.
Variant type: single nucleotide variant.
Coding change: c.1664G>C on transcript NM_014874.4 (MANE Select); coding-DNA position 1664, G replaced by C.
Protein change: p.Arg555Thr; replaces arginine 555 with threonine.
Molecular consequence: missense variant.
Genome position (GRCh38, 1-based): chr1:12,005,879, G>C. VCF-style: chr1-12005879-G-C. GRCh37 (hg19) VCF-style: chr1-12065936-G-C.
Other names: c.1664G>C, p.Arg555Thr (NM_001127660.2); short protein forms R555T.
Identifiers: ClinVar variation 2000689 (VCV002000689.4), dbSNP rs1366486612, ClinGen allele CA338448187.

ClinVar aggregate classification (germline): Uncertain significance (1 of 4 stars; one submission).

Conditions:
Charcot-Marie-Tooth disease type 2. Also called: Charcot-Marie-Tooth type 2. Identifiers: Orphanet 64746, MedGen C0270914, MONDO:0018993.

Submission:

Labcorp Genetics (formerly Invitae), Labcorp
Classification: Uncertain significance for Charcot-Marie-Tooth disease type 2. Last evaluated: 2024-01-31. Review status: criteria provided, single submitter. Criteria: Invitae Variant Classification Sherloc (09022015). Collection method: clinical testing. Allele origin: germline.
Comment: This sequence change replaces arginine, which is basic and polar, with threonine, which is neutral and polar, at codon 555 of the MFN2 protein (p.Arg555Thr). This variant is not present in population databases (gnomAD no frequency). This variant has not been reported in the literature in individuals affected with MFN2-related conditions. ClinVar contains an entry for this variant (Variation ID: 2000689). Advanced modeling of protein sequence and biophysical properties (such as structural, functional, and spatial information, amino acid conservation, physicochemical variation, residue mobility, and thermodynamic stability) performed at Invitae indicates that this missense variant is expected to disrupt MFN2 protein function with a positive predictive value of 95%. In summary, the available evidence is currently insufficient to determine the role of this variant in disease. Therefore, it has been classified as a Variant of Uncertain Significance.